The following is an entry in ClinVar:

NM_000124.4(ERCC6):c.1237C>T (p.Arg413Trp)

Genes: ERCC6 (ERCC excision repair 6, chromatin remodeling factor; minus strand), PGBD3 (piggyBac transposable element derived 3; minus strand). Cytogenetic location: 10q11.23.
Variant type: single nucleotide variant.
Coding change: c.1237C>T on transcript NM_000124.4 (MANE Select); coding-DNA position 1237, C replaced by T.
Protein change: p.Arg413Trp; replaces arginine 413 with tryptophan.
Molecular consequence: missense variant. On other transcripts: 5 prime UTR variant (1).
Genome position (GRCh38, 1-based): chr10:49,524,193, G>A on the plus strand (C>T on the coding strand, the complement: ERCC6 is on the minus strand). VCF-style: chr10-49524193-G-A. GRCh37 (hg19) VCF-style: chr10-50732239-G-A.
Other names: c.1237C>T, p.Arg413Trp (NM_001277058.2, NM_001277059.2, NM_001346440.2); c.-168C>T (NM_170753.3); short protein forms R413W.
Identifiers: ClinVar variation 879712 (VCV000879712.9), dbSNP rs374490261, ClinGen allele CA5496361.

ClinVar aggregate classification (germline): Uncertain significance. Review status: criteria provided, multiple submitters, no conflicts (2 of 4 stars). 6 submissions from 4 submitters: Uncertain significance (6). Last evaluated 2025-04-03.

Conditions:
Inborn genetic diseases. Identifiers: MedGen C0950123, MeSH D030342.
Age related macular degeneration 5. Identifiers: MedGen C3151063, MONDO:0013409, OMIM 613761.
Cerebrooculofacioskeletal syndrome 1 (COFS1). Also called: Cerebro-oculo-facio-skeletal syndrome 1. Identifiers: MedGen C0220722, MONDO:0008955, OMIM 214150.
Cockayne syndrome type 2 (CSB). Also called: COCKAYNE SYNDROME B; Cockayne Syndrome, Type II. Identifiers: Orphanet 191, Orphanet 90322, MedGen C0751038, MONDO:0019570, OMIM 133540.

Allele frequency attached by ClinVar (database versions not stated): gnomAD 0.00003 and 0.00005; gnomAD exomes 0.00006; TOPMed 0.00008; ExAC 0.00010; ESP Exome Variant Server 0.00023; 1000 Genomes Project 30x 0.00047; 1000 Genomes Project 0.00060.
gnomAD v4.1: 74 of 1,613,970 alleles (0.0046%); highest among the groups gnomAD compares: Middle Eastern, 0.016%; no homozygotes.

Submissions (6):

Ambry Genetics
Classification: Uncertain significance for Inborn genetic diseases. Last evaluated: 2025-04-03. Review status: criteria provided, single submitter. Criteria: Ambry Variant Classification Scheme 2023. Collection method: clinical testing. Allele origin: germline.

Labcorp Genetics (formerly Invitae), Labcorp
Classification: Uncertain significance. Last evaluated: 2022-08-23. Review status: criteria provided, single submitter. Criteria: Invitae Variant Classification Sherloc (09022015). Collection method: clinical testing. Allele origin: germline.
Comment: This sequence change replaces arginine, which is basic and polar, with tryptophan, which is neutral and slightly polar, at codon 413 of the ERCC6 protein (p.Arg413Trp). This variant is present in population databases (rs374490261, gnomAD 0.02%). This variant has not been reported in the literature in individuals affected with ERCC6-related conditions. ClinVar contains an entry for this variant (Variation ID: 879712). Algorithms developed to predict the effect of missense changes on protein structure and function output the following: SIFT: "Tolerated"; PolyPhen-2: "Benign"; Align-GVGD: "Class C0". The tryptophan amino acid residue is found in multiple mammalian species, which suggests that this missense change does not adversely affect protein function. In summary, the available evidence is currently insufficient to determine the role of this variant in disease. Therefore, it has been classified as a Variant of Uncertain Significance.

Genetic Services Laboratory, University of Chicago
Classification: Uncertain significance. Last evaluated: 2021-12-27. Review status: criteria provided, single submitter. Criteria: ACMG Guidelines, 2015. Collection method: clinical testing. Allele origin: germline. Affected: no.
Comment: DNA sequence analysis of the ERCC6 gene demonstrated a sequence change, c.1237C>T, in exon 5 that results in an amino acid change, p.Arg413Trp. This sequence change has been described in the gnomAD database with a frequency of 0.013% in the South Asian subpopulation (dbSNP rs374490261). The p.Arg413Trp change affects a poorly conserved amino acid residue located in a domain of the ERCC6 protein that is not known to be functional. The p.Arg413Trp substitution appears to be benign using several in-silico pathogenicity prediction tools (SIFT, PolyPhen2, Align GVGD, REVEL). This sequence change does not appear to have been previously described in individuals with ERCC6-related disorders. Due to insufficient evidences and the lack of functional studies, the clinical significance of the p.Arg413Trp change remains unknown at this time.

Illumina Laboratory Services, Illumina
Classification: Uncertain significance for Age related macular degeneration 5. Last evaluated: 2018-01-12. Review status: criteria provided, single submitter. Criteria: ICSL Variant Classification Criteria 13 December 2019. Collection method: clinical testing. Allele origin: germline.

Illumina Laboratory Services, Illumina
Classification: Uncertain significance for Cockayne syndrome type 2. Last evaluated: 2018-01-12. Review status: criteria provided, single submitter. Criteria: ICSL Variant Classification Criteria 13 December 2019. Collection method: clinical testing. Allele origin: germline.

Illumina Laboratory Services, Illumina
Classification: Uncertain significance for Cerebrooculofacioskeletal syndrome 1. Last evaluated: 2018-01-12. Review status: criteria provided, single submitter. Criteria: ICSL Variant Classification Criteria 13 December 2019. Collection method: clinical testing. Allele origin: germline.